The following is an entry in ClinVar:

ClinVar aggregate classification (germline): Uncertain significance (1 of 4 stars; one submission).

Conditions:
Spermatogenic failure 18. Identifiers: MedGen C4539783, MONDO:0054615, OMIM 617576.
Ciliary dyskinesia, primary, 37 (CILD37). Also called: CILIARY DYSKINESIA, PRIMARY, 37, WITH OR WITHOUT SITUS INVERSUS. Identifiers: MedGen C4539798, MONDO:0033204, OMIM 617577.

Allele frequency attached by ClinVar (database versions not stated): gnomAD 0.00001; TOPMed 0.00001; ESP Exome Variant Server 0.00008.
gnomAD v4.1: 6 of 1,609,676 alleles (0.00037%); highest among the groups gnomAD compares: African/African-American, 0.0027%; no homozygotes.

Submission:

Labcorp Genetics (formerly Invitae), Labcorp
Classification: Uncertain significance for Ciliary dyskinesia, primary, 37; Spermatogenic failure 18. Last evaluated: 2023-12-09. Review status: criteria provided, single submitter. Criteria: Invitae Variant Classification Sherloc (09022015). Collection method: clinical testing. Allele origin: germline.
Comment: This sequence change replaces proline, which is neutral and non-polar, with leucine, which is neutral and non-polar, at codon 3014 of the DNAH1 protein (p.Pro3014Leu). The frequency data for this variant in the population databases is considered unreliable, as metrics indicate poor data quality at this position in the gnomAD database. This variant has not been reported in the literature in individuals affected with DNAH1-related conditions. Advanced modeling of protein sequence and biophysical properties (such as structural, functional, and spatial information, amino acid conservation, physicochemical variation, residue mobility, and thermodynamic stability) performed at Invitae indicates that this missense variant is expected to disrupt DNAH1 protein function with a positive predictive value of 80%. In summary, the available evidence is currently insufficient to determine the role of this variant in disease. Therefore, it has been classified as a Variant of Uncertain Significance.

NM_015512.5(DNAH1):c.9041C>T (p.Pro3014Leu)

Gene: DNAH1 (dynein axonemal heavy chain 1; plus strand). Cytogenetic location: 3p21.1.
Variant type: single nucleotide variant.
Coding change: c.9041C>T on transcript NM_015512.5 (MANE Select); coding-DNA position 9041, C replaced by T.
Protein change: p.Pro3014Leu; replaces proline 3014 with leucine.
Molecular consequence: missense variant.
Genome position (GRCh38, 1-based): chr3:52,388,204, C>T. VCF-style: chr3-52388204-C-T. GRCh37 (hg19) VCF-style: chr3-52422220-C-T.
Other names: short protein forms P3014L.
Identifiers: ClinVar variation 2932865 (VCV002932865.3), dbSNP rs376968517, ClinGen allele CA74776465.